The following is an entry in ClinVar:

ClinVar aggregate classification (germline): Pathogenic. Review status: criteria provided, multiple submitters, no conflicts (2 of 4 stars). 2 submissions from 2 submitters: Pathogenic (2). Last evaluated 2025-01-16.

Conditions:
Hereditary cancer-predisposing syndrome. Also called: Hereditary Cancer Syndrome; Hereditary neoplastic syndrome; Neoplastic Syndromes, Hereditary; Tumor predisposition. Identifiers: Orphanet 140162, MedGen C0027672, MeSH D009386, MONDO:0015356.
Familial adenomatous polyposis 1 (FAP1). Also called: FAMILIAL ADENOMATOUS POLYPOSIS 1, ATTENUATED; POLYPOSIS, ADENOMATOUS INTESTINAL. Identifiers: MedGen C2713442, MONDO:0021056, OMIM 175100. Disease mechanism: loss of function.

Allele frequency attached by ClinVar (database versions not stated): gnomAD exomes below 0.00001.

Submissions (2):

Ambry Genetics
Classification: Pathogenic for Hereditary cancer-predisposing syndrome. Last evaluated: 2025-01-16. Review status: criteria provided, single submitter. Criteria: Ambry Variant Classification Scheme 2023. Collection method: clinical testing. Allele origin: germline.
Comment: The p.S142* pathogenic mutation (also known as c.425C>A), located in coding exon 4 of the APC gene, results from a C to A substitution at nucleotide position 425. This changes the amino acid from a serine to a stop codon within coding exon 4. This variant was reported in individual(s) with features consistent with APC-related familial adenomatous polyposis (Ambry internal data). This variant is considered to be rare based on population cohorts in the Genome Aggregation Database (gnomAD). This alteration is expected to result in loss of function by premature protein truncation or nonsense-mediated mRNA decay. As such, this alteration is interpreted as a disease-causing mutation.

Myriad Genetics, Inc.
Classification: Pathogenic for Familial adenomatous polyposis 1. Last evaluated: 2023-04-25. Review status: criteria provided, single submitter. Criteria: Myriad Autosomal Dominant, Autosomal Recessive and X-Linked Classification Criteria (2023). Collection method: clinical testing. Allele origin: unknown.
Comment: This variant is considered pathogenic. This variant creates a termination codon and is predicted to result in premature protein truncation.

NM_000038.6(APC):c.425C>A (p.Ser142Ter)

Gene: APC (APC regulator of Wnt signaling pathway; plus strand). Cytogenetic location: 5q22.2.
Variant type: single nucleotide variant.
Coding change: c.425C>A on transcript NM_000038.6 (MANE Select); coding-DNA position 425, C replaced by A.
Protein change: p.Ser142Ter; replaces serine 142 with a stop codon.
Molecular consequence: nonsense. On other transcripts: 5 prime UTR variant (1).
Genome position (GRCh38, 1-based): chr5:112,775,631, C>A. VCF-style: chr5-112775631-C-A. GRCh37 (hg19) VCF-style: chr5-112111328-C-A.
Other names: c.425C>A, p.Ser142Ter (NM_001127510.3, NM_001354896.2, NM_001354895.2 and 16 more transcripts); c.455C>A, p.Ser152Ter (NM_001127511.3, NM_001354897.2, NM_001354902.2 and 1 more transcripts); c.350C>A, p.Ser117Ter (NM_001354898.2, NM_001354904.2, NM_001407451.1); c.248C>A, p.Ser83Ter (NM_001354900.2, NM_001354901.2, NM_001354905.2 and 1 more transcripts); c.-611C>A (NM_001354906.2, NM_001407470.1, NM_001407471.1 and 1 more transcripts); short protein forms S142*, S117*, S152*, S83*.
Identifiers: ClinVar variation 1739148 (VCV001739148.4), dbSNP rs2149614389, ClinGen allele CA16022252.